The following is an entry in ClinVar:

ClinVar aggregate classification (germline): Benign/Likely benign. Review status: criteria provided, multiple submitters, no conflicts (2 of 4 stars). 3 submissions from 3 submitters: Benign (1); Likely benign (2). Last evaluated 2025-10-10.

Conditions:
Hereditary cancer-predisposing syndrome. Also called: Hereditary neoplastic syndrome; Hereditary Cancer Syndrome; Neoplastic Syndromes, Hereditary; Tumor predisposition. Identifiers: Orphanet 140162, MedGen C0027672, MeSH D009386, MONDO:0015356.
Hereditary diffuse gastric adenocarcinoma (HDGC). Also called: DIFFUSE GASTRIC AND LOBULAR BREAST CANCER SYNDROME. Identifiers: Orphanet 26106, MedGen C1708349, MONDO:0007648, OMIM 137215.

Submissions (3):

Ambry Genetics
Classification: Likely benign for Hereditary cancer-predisposing syndrome. Last evaluated: 2025-10-10. Review status: criteria provided, single submitter. Criteria: Ambry Variant Classification Scheme 2023. Collection method: clinical testing. Allele origin: germline.

Labcorp Genetics (formerly Invitae), Labcorp
Classification: Likely benign. Last evaluated: 2024-12-21. Review status: criteria provided, single submitter. Criteria: Invitae Variant Classification Sherloc (09022015). Collection method: clinical testing. Allele origin: germline.

Myriad Genetics, Inc.
Classification: Benign for Hereditary diffuse gastric adenocarcinoma. Last evaluated: 2024-10-15. Review status: criteria provided, single submitter. Criteria: Myriad Autosomal Dominant, Autosomal Recessive and X-Linked Classification Criteria (2023). Collection method: clinical testing. Allele origin: unknown.
Comment: This variant is considered benign. This variant is a silent/synonymous amino acid change and it is not expected to impact splicing.

NM_001903.5(CTNNA1):c.2370G>A (p.Leu790=)

Gene: CTNNA1 (catenin alpha 1; plus strand). Cytogenetic location: 5q31.2.
Variant type: single nucleotide variant.
Coding change: c.2370G>A on transcript NM_001903.5 (MANE Select); coding-DNA position 2370, G replaced by A.
Protein change: p.Leu790=; no amino-acid change (leucine 790 retained).
Molecular consequence: synonymous variant. On other transcripts: intron variant (1).
Genome position (GRCh38, 1-based): chr5:138,932,649, G>A. VCF-style: chr5-138932649-G-A. GRCh37 (hg19) VCF-style: chr5-138268338-G-A.
Other names: c.2370G>A, p.Leu790= (NM_001290307.3, NM_001323982.2, NM_001323983.1 and 2 more transcripts); c.2061G>A, p.Leu687= (NM_001290309.3); c.2001G>A, p.Leu667= (NM_001290310.3); c.1260G>A, p.Leu420= (NM_001290312.1, NM_001323987.1, NM_001323988.1 and 16 more transcripts); c.2277G>A, p.Leu759= (NM_001323986.2); c.921G>A, p.Leu307= (NM_001324006.1, NM_001324007.1, NM_001324008.1 and 2 more transcripts); c.1167G>A, p.Leu389= (NM_001324011.1); c.1017G>A, p.Leu339= (NM_001324012.1, NM_001324013.1); and 2 more.
Identifiers: ClinVar variation 2862573 (VCV002862573.5), dbSNP rs2150349654, ClinGen allele CA446598210.
Genomic context (GRCh38, chr5:138,932,649, plus strand): 5'-GGCTTGCAAGCAGGACCTGCTGGCCTACCTGCAACGCATCGCCCTCTACTGCCACCAGCT[G>A]AACATCTGCAGCAAGGTCAAGGCCGAGGTGCAGAATCTCGGCGGGGAGCTTGTTGTCTCT-3'
Protein context (NP_001894.2, residues 780-800): LQRIALYCHQ[Leu790=]NICSKVKAEV